The following is an entry in ClinVar:

NM_001164508.2(NEB):c.9551A>T (p.Lys3184Ile)

Gene: NEB (nebulin; minus strand). Cytogenetic location: 2q23.3.
Variant type: single nucleotide variant.
Coding change: c.9551A>T on transcript NM_001164508.2 (MANE Select); coding-DNA position 9551, A replaced by T.
Protein change: p.Lys3184Ile; replaces lysine 3184 with isoleucine.
Molecular consequence: missense variant. On other transcripts: intron variant (1).
Genome position (GRCh38, 1-based): chr2:151,631,210, T>A on the plus strand (A>T on the coding strand, the complement: NEB is on the minus strand). VCF-style: chr2-151631210-T-A. GRCh37 (hg19) VCF-style: chr2-152487724-T-A.
Other names: c.9551A>T, p.Lys3184Ile (NM_001164507.2, NM_001271208.2); c.8854-32A>T (NM_004543.5); short protein forms K3184I.
Identifiers: ClinVar variation 1463744 (VCV001463744.8), dbSNP rs2154073147, ClinGen allele CA348800003.

ClinVar aggregate classification (germline): Uncertain significance (1 of 4 stars; one submission).

Conditions:
Nemaline myopathy 2 (NEM2). Also called: Nemaline myopathy 2, autosomal recessive. Identifiers: MedGen C1850569, MONDO:0009725, OMIM 256030.

Submission:

Labcorp Genetics (formerly Invitae), Labcorp
Classification: Uncertain significance for Nemaline myopathy 2. Last evaluated: 2021-01-29. Review status: criteria provided, single submitter. Criteria: Invitae Variant Classification Sherloc (09022015). Collection method: clinical testing. Allele origin: germline.
Comment: In summary, the available evidence is currently insufficient to determine the role of this variant in disease. Therefore, it has been classified as a Variant of Uncertain Significance. Algorithms developed to predict the effect of missense changes on protein structure and function are either unavailable or do not agree on the potential impact of this missense change (SIFT: "Deleterious"; PolyPhen-2: "Not Available"; Align-GVGD: "Class C0"). This variant has not been reported in the literature in individuals with NEB-related conditions. This variant is not present in population databases (ExAC no frequency). This sequence change replaces lysine with isoleucine at codon 3184 of the NEB protein (p.Lys3184Ile). The lysine residue is weakly conserved and there is a moderate physicochemical difference between lysine and isoleucine.